The following is an entry in ClinVar:

NM_001122681.2(SH3BP2):c.801C>T (p.Cys267=)

Gene: SH3BP2 (SH3 domain binding protein 2; plus strand). Cytogenetic location: 4p16.3.
Variant type: single nucleotide variant.
Coding change: c.801C>T on transcript NM_001122681.2 (MANE Select); coding-DNA position 801, C replaced by T.
Protein change: p.Cys267=; no amino-acid change (cysteine 267 retained).
Molecular consequence: synonymous variant.
Genome position (GRCh38, 1-based): chr4:2,829,707, C>T. VCF-style: chr4-2829707-C-T. GRCh37 (hg19) VCF-style: chr4-2831434-C-T.
Other names: p.Cys267=; c.801C>T, p.Cys267= (LRG_1334t1, NM_003023.4); c.885C>T, p.Cys295= (LRG_1334t2, NM_001145855.2); c.972C>T, p.Cys324= (NM_001145856.2).
Identifiers: ClinVar variation 525203 (VCV000525203.18), dbSNP rs114926004, ClinGen allele CA2819320.

ClinVar aggregate classification (germline): Benign/Likely benign. Review status: criteria provided, multiple submitters, no conflicts (2 of 4 stars). 6 submissions from 6 submitters: Benign (5); Likely benign (1). Last evaluated 2026-03-31.

Conditions:
Fibrous dysplasia of jaw (CRBM). Also called: Cherubism. Identifiers: Orphanet 184, MedGen C0008029, MONDO:0007315, OMIM 118400.

Allele frequency attached by ClinVar (database versions not stated): gnomAD exomes 0.00090 and 0.00249; ExAC 0.00321; gnomAD 0.01014 and 0.01089; ESP Exome Variant Server 0.01092; 1000 Genomes Project 0.01098; TOPMed 0.01137; 1000 Genomes Project 30x 0.01156.
gnomAD v4.1: 2,929 of 1,612,774 alleles (0.18%); highest among the groups gnomAD compares: African/African-American, 3.4%; 52 homozygotes.

Submissions (6):

Women's Health and Genetics/Laboratory Corporation of America, LabCorp
Classification: Benign. Last evaluated: 2026-03-31. Review status: criteria provided, single submitter. Criteria: LabCorp Variant Classification Summary - May 2015. Collection method: clinical testing. Allele origin: germline.

Labcorp Genetics (formerly Invitae), Labcorp
Classification: Benign for Fibrous dysplasia of jaw. Last evaluated: 2026-02-01. Review status: criteria provided, single submitter. Criteria: Invitae Variant Classification Sherloc (09022015). Collection method: clinical testing. Allele origin: germline.

Mayo Clinic Laboratories, Mayo Clinic
Classification: Benign. Last evaluated: 2025-03-31. Review status: criteria provided, single submitter. Criteria: ACMG Guidelines, 2015. Collection method: clinical testing. Allele origin: germline. Observed: 8 variant alleles.
Comment: BS1, BS2, BP4, BP7

Fulgent Genetics
Classification: Likely benign for Fibrous dysplasia of jaw. Last evaluated: 2022-04-25. Review status: criteria provided, single submitter. Criteria: ACMG Guidelines, 2015. Collection method: clinical testing. Allele origin: unknown.

Illumina Laboratory Services, Illumina
Classification: Benign for Fibrous dysplasia of jaw. Last evaluated: 2018-01-13. Review status: criteria provided, single submitter. Criteria: ICSL Variant Classification Criteria 13 December 2019. Collection method: clinical testing. Allele origin: germline.
Comment: This variant was observed in the ICSL laboratory as part of a predisposition screen in an ostensibly healthy population. It had not been previously curated by ICSL or reported in the Human Gene Mutation Database (HGMD: prior to June 1st, 2018), and was therefore a candidate for classification through an automated scoring system. Utilizing variant allele frequency, disease prevalence and penetrance estimates, and inheritance mode, an automated score was calculated to assess if this variant is too frequent to cause the disease. Based on the score and internal cut-off values, a variant classified as benign is not then subjected to further curation. The score for this variant resulted in a classification of benign for this disease.

Breakthrough Genomics
Classification: Benign. Review status: criteria provided, single submitter. Criteria: ACMG Guidelines, 2015. Collection method: not provided. Allele origin: germline. Inheritance: Autosomal dominant inheritance. Affected: yes.